The following is an entry in ClinVar:

NM_005188.4(CBL):c.2710_2711del (p.Val904fs)

Gene: CBL (Cbl proto-oncogene; plus strand). Cytogenetic location: 11q23.3.
Variant type: Deletion.
Coding change: c.2710_2711del on transcript NM_005188.4 (MANE Select); coding-DNA positions 2710 to 2711, 2 bases deleted (GT; older notation c.2710_2711delGT).
Protein change: p.Val904fs; shifts the reading frame from valine 904.
Molecular consequence: frameshift variant.
Genome position (GRCh38, 1-based): chr11:119,299,770-119,299,771, GT deleted; deleting any 2 consecutive bases within chr11:119,299,769-119,299,771 gives the same sequence; the c. name uses the placement nearest the transcript's 3' end. VCF-style (leftmost placement, unchanged base first): chr11-119299768-ATG-A. GRCh37 (hg19) VCF-style: chr11-119170478-ATG-A.
Other names: short protein forms V904fs.
Identifiers: ClinVar variation 2858528 (VCV002858528.3), dbSNP rs2496976332, ClinGen allele CA2739271727.
Genomic context (GRCh38, chr11:119,299,768, plus strand): 5'-ACAACATCGAGATGGCCAAAAACATCCTCCGGGAATTTGTTTCCATTTCTTCTCCTGCCC[ATG>A]TAGCTACCTAGCACACCATCTCCCTGCTGCAGGTTTAGAGGACCAGTGAGTTGGGAGTTA-3'

ClinVar aggregate classification (germline): Uncertain significance (1 of 4 stars; one submission).

Conditions:
RASopathy. Also called: rasopathies; Noonan spectrum disorder. Identifiers: Orphanet 536391, MedGen C5555857, MONDO:0021060.

Submission:

Labcorp Genetics (formerly Invitae), Labcorp
Classification: Uncertain significance for RASopathy. Last evaluated: 2024-04-26. Review status: criteria provided, single submitter. Criteria: Invitae Variant Classification Sherloc (09022015). Collection method: clinical testing. Allele origin: germline.
Comment: This sequence change results in a frameshift in the CBL gene (p.Val904Serfs*16). While this is not anticipated to result in nonsense mediated decay, it is expected to disrupt the last 3 amino acid(s) of the CBL protein and extend the protein by 12 additional amino acid residues. This variant is not present in population databases (gnomAD no frequency). This variant has not been reported in the literature in individuals affected with CBL-related conditions. Experimental studies and prediction algorithms are not available or were not evaluated, and the functional significance of this variant is currently unknown. In summary, the available evidence is currently insufficient to determine the role of this variant in disease. Therefore, it has been classified as a Variant of Uncertain Significance.